The following is an entry in ClinVar:

NM_006031.6(PCNT):c.4079G>A (p.Arg1360His)

Gene: PCNT (pericentrin; plus strand). Cytogenetic location: 21q22.3.
Variant type: single nucleotide variant.
Coding change: c.4079G>A on transcript NM_006031.6 (MANE Select); coding-DNA position 4079, G replaced by A.
Protein change: p.Arg1360His; replaces arginine 1360 with histidine.
Molecular consequence: missense variant.
Genome position (GRCh38, 1-based): chr21:46,391,239, G>A. VCF-style: chr21-46391239-G-A. GRCh37 (hg19) VCF-style: chr21-47811154-G-A.
Other names: c.3725G>A, p.Arg1242His (NM_001315529.2); short protein forms R1242H, R1360H.
Identifiers: ClinVar variation 2258927 (VCV002258927.4), dbSNP rs200846733, ClinGen allele CA10079531.

ClinVar aggregate classification (germline): Uncertain significance. Review status: criteria provided, multiple submitters, no conflicts (2 of 4 stars). 2 submissions from 2 submitters: Uncertain significance (2). Last evaluated 2026-05-21.

Conditions:
PCNT-related disorder. Also called: PCNT-related condition.
Inborn genetic diseases. Identifiers: MedGen C0950123, MeSH D030342.

Allele frequency attached by ClinVar (database versions not stated): gnomAD 0.00003; TOPMed 0.00004; ExAC 0.00005.
gnomAD v4.1: 16 of 1,606,894 alleles (0.001%); highest among the groups gnomAD compares: African/African-American, 0.0027%; no homozygotes.

Submissions (2):

PreventionGenetics, part of Exact Sciences
Classification: Uncertain significance for PCNT-related condition. Last evaluated: 2026-05-21. Review status: criteria provided, single submitter. Criteria: ACMG Guidelines, 2015. Collection method: clinical testing. Allele origin: germline.
Comment: The PCNT c.4079G>A variant is predicted to result in the amino acid substitution p.Arg1360His. To our knowledge, this variant has not been reported in the literature. This variant is reported in 0.0086% of alleles in individuals of African descent in gnomAD. At this time, the clinical significance of this variant is uncertain due to the absence of conclusive functional and genetic evidence.

Ambry Genetics
Classification: Uncertain significance for Inborn genetic diseases. Last evaluated: 2025-08-14. Review status: criteria provided, single submitter. Criteria: Ambry Variant Classification Scheme 2023. Collection method: clinical testing. Allele origin: germline.